The following is an entry in ClinVar:

NM_021625.5(TRPV4):c.1291G>A (p.Ala431Thr)

Gene: TRPV4 (transient receptor potential cation channel subfamily V member 4; minus strand). Cytogenetic location: 12q24.11.
Variant type: single nucleotide variant.
Coding change: c.1291G>A on transcript NM_021625.5 (MANE Select); coding-DNA position 1291, G replaced by A.
Protein change: p.Ala431Thr; replaces alanine 431 with threonine.
Molecular consequence: missense variant. On other transcripts: intron variant (2).
Genome position (GRCh38, 1-based): chr12:109,796,566, C>T on the plus strand (G>A on the coding strand, the complement: TRPV4 is on the minus strand). VCF-style: chr12-109796566-C-T. GRCh37 (hg19) VCF-style: chr12-110234371-C-T.
Other names: c.1150G>A, p.Ala384Thr (NM_001177428.2); c.1189G>A, p.Ala397Thr (NM_001177431.2); c.1011+2048G>A (NM_001177433.1); c.1152+2048G>A (NM_147204.2); short protein forms A397T, A431T, A384T.
Identifiers: ClinVar variation 2722337 (VCV002722337.4), dbSNP rs955455114, ClinGen allele CA243465725.

ClinVar aggregate classification (germline): Uncertain significance. Review status: criteria provided, multiple submitters, no conflicts (2 of 4 stars). 2 submissions from 2 submitters: Uncertain significance (2). Last evaluated 2025-02-26.

Conditions:
Charcot-Marie-Tooth disease axonal type 2C (HMSN2C). Also called: CHARCOT-MARIE-TOOTH DISEASE, AXONAL, AUTOSOMAL DOMINANT, TYPE 2C; Charcot-Marie-Tooth Neuropathy Type 2C; Charcot-Marie-Tooth Disease Type 2, TRPV4-Related (CMT2C). Identifiers: Orphanet 99937, MedGen C1853710, MONDO:0011633, OMIM 606071.

Allele frequency attached by ClinVar (database versions not stated): TOPMed below 0.00001; gnomAD exomes below 0.00001.
gnomAD v4.1: 3 of 1,614,170 alleles (0.00019%); highest among the groups gnomAD compares: Admixed American, 0.0017%; no homozygotes.

Submissions (2):

Labcorp Genetics (formerly Invitae), Labcorp
Classification: Uncertain significance for Charcot-Marie-Tooth disease axonal type 2C. Last evaluated: 2025-02-26. Review status: criteria provided, single submitter. Criteria: Invitae Variant Classification Sherloc (09022015). Collection method: clinical testing. Allele origin: germline.
Comment: This sequence change replaces alanine, which is neutral and non-polar, with threonine, which is neutral and polar, at codon 431 of the TRPV4 protein (p.Ala431Thr). This variant is not present in population databases (gnomAD no frequency). This variant has not been reported in the literature in individuals affected with TRPV4-related conditions. ClinVar contains an entry for this variant (Variation ID: 2722337). Invitae Evidence Modeling of protein sequence and biophysical properties (such as structural, functional, and spatial information, amino acid conservation, physicochemical variation, residue mobility, and thermodynamic stability) indicates that this missense variant is not expected to disrupt TRPV4 protein function with a negative predictive value of 95%. In summary, the available evidence is currently insufficient to determine the role of this variant in disease. Therefore, it has been classified as a Variant of Uncertain Significance.

Blueprint Genetics
Classification: Uncertain significance. Last evaluated: 2020-05-29. Review status: criteria provided, single submitter. Criteria: ACMG Guidelines, 2015. Collection method: clinical testing. Allele origin: germline.